The following is an entry in ClinVar:

NM_005732.4(RAD50):c.767A>C (p.Lys256Thr)

Gene: RAD50 (RAD50 double strand break repair protein; plus strand). Cytogenetic location: 5q31.1.
Variant type: single nucleotide variant.
Coding change: c.767A>C on transcript NM_005732.4 (MANE Select); coding-DNA position 767, A replaced by C.
Protein change: p.Lys256Thr; replaces lysine 256 with threonine.
Molecular consequence: missense variant.
Genome position (GRCh38, 1-based): chr5:132,587,572, A>C. VCF-style: chr5-132587572-A-C. GRCh37 (hg19) VCF-style: chr5-131923264-A-C.
Other names: short protein forms K256T.
Identifiers: ClinVar variation 2036441 (VCV002036441.4), dbSNP rs2479631565, ClinGen allele CA360940008.

ClinVar aggregate classification (germline): Uncertain significance (1 of 4 stars; one submission).

Conditions:
Hereditary cancer-predisposing syndrome. Also called: Neoplastic Syndromes, Hereditary; Hereditary Cancer Syndrome; Tumor predisposition; Hereditary neoplastic syndrome. Identifiers: Orphanet 140162, MedGen C0027672, MeSH D009386, MONDO:0015356.

Submission:

Labcorp Genetics (formerly Invitae), Labcorp
Classification: Uncertain significance for Hereditary cancer-predisposing syndrome. Last evaluated: 2021-12-07. Review status: criteria provided, single submitter. Criteria: Invitae Variant Classification Sherloc (09022015). Collection method: clinical testing. Allele origin: germline.
Comment: This sequence change replaces lysine, which is basic and polar, with threonine, which is neutral and polar, at codon 256 of the RAD50 protein (p.Lys256Thr). This variant is not present in population databases (gnomAD no frequency). This variant has not been reported in the literature in individuals affected with RAD50-related conditions. Algorithms developed to predict the effect of missense changes on protein structure and function (SIFT, PolyPhen-2, Align-GVGD) all suggest that this variant is likely to be tolerated. Algorithms developed to predict the effect of sequence changes on RNA splicing suggest that this variant may create or strengthen a splice site. In summary, the available evidence is currently insufficient to determine the role of this variant in disease. Therefore, it has been classified as a Variant of Uncertain Significance.